The following is an entry in ClinVar:

NM_172364.5(CACNA2D4):c.*123A>G

Gene: CACNA2D4 (calcium voltage-gated channel auxiliary subunit alpha2delta 4; minus strand). Cytogenetic location: 12p13.33.
Variant type: single nucleotide variant.
Coding change: c.*123A>G on transcript NM_172364.5 (MANE Select); 123 bases downstream of the stop codon, A replaced by G.
Molecular consequence: 3 prime UTR variant.
Genome position (GRCh38, 1-based): chr12:1,793,532, T>C on the plus strand (A>G on the coding strand, the complement: CACNA2D4 is on the minus strand). VCF-style: chr12-1793532-T-C. GRCh37 (hg19) VCF-style: chr12-1902698-T-C.
Identifiers: ClinVar variation 307825 (VCV000307825.6), dbSNP rs188926382, ClinGen allele CA10641478.

ClinVar aggregate classification (germline): Likely benign. Review status: criteria provided, multiple submitters, no conflicts (2 of 4 stars). 2 submissions from 2 submitters: Likely benign (2). Last evaluated 2018-01-13.

Conditions:
Retinal cone dystrophy 4 (RCD4). Identifiers: Orphanet 1872, MedGen C1864849, MONDO:0012507, OMIM 610478.

Allele frequency attached by ClinVar (database versions not stated): 1000 Genomes Project 30x 0.00125; 1000 Genomes Project 0.00140; TOPMed 0.00178; gnomAD 0.00200.
gnomAD v4.1: 1,547 of 799,288 alleles (0.19%); highest among the groups gnomAD compares: Non-Finnish European, 0.23%; 6 homozygotes.

Submissions (2):

Illumina Laboratory Services, Illumina
Classification: Likely benign for Retinal cone dystrophy 4. Last evaluated: 2018-01-13. Review status: criteria provided, single submitter. Criteria: ICSL Variant Classification Criteria 13 December 2019. Collection method: clinical testing. Allele origin: germline.
Comment: This variant was observed in the ICSL laboratory as part of a predisposition screen in an ostensibly healthy population. It had not been previously curated by ICSL or reported in the Human Gene Mutation Database (HGMD: prior to June 1st, 2018), and was therefore a candidate for classification through an automated scoring system. Utilizing variant allele frequency, disease prevalence and penetrance estimates, and inheritance mode, an automated score was calculated to assess if this variant is too frequent to cause the disease. Based on the score and internal cut-off values, a variant classified as likely benign is not then subjected to further curation. The score for this variant resulted in a classification of likely benign for this disease.

Breakthrough Genomics
Classification: Likely benign. Review status: criteria provided, single submitter. Criteria: ACMG Guidelines, 2015. Collection method: not provided. Allele origin: germline. Inheritance: Autosomal recessive inheritance. Affected: yes.